The following is an entry in ClinVar:

ClinVar aggregate classification (germline): Uncertain significance (1 of 4 stars; one submission).

Allele frequency attached by ClinVar (database versions not stated): gnomAD exomes below 0.00001; gnomAD 0.00001; TOPMed 0.00002.
gnomAD v4.1: 8 of 1,600,094 alleles (0.0005%); highest among the groups gnomAD compares: South Asian, 0.0011%; no homozygotes.

Submission:

Labcorp Genetics (formerly Invitae), Labcorp
Classification: Uncertain significance. Last evaluated: 2022-05-05. Review status: criteria provided, single submitter. Criteria: Invitae Variant Classification Sherloc (09022015). Collection method: clinical testing. Allele origin: germline.
Comment: In summary, the available evidence is currently insufficient to determine the role of this variant in disease. Therefore, it has been classified as a Variant of Uncertain Significance. Advanced modeling of protein sequence and biophysical properties (such as structural, functional, and spatial information, amino acid conservation, physicochemical variation, residue mobility, and thermodynamic stability) performed at Invitae indicates that this missense variant is not expected to disrupt KCNQ4 protein function. This variant has not been reported in the literature in individuals affected with KCNQ4-related conditions. The frequency data for this variant in the population databases is considered unreliable, as metrics indicate poor data quality at this position in the gnomAD database. This sequence change replaces proline, which is neutral and non-polar, with leucine, which is neutral and non-polar, at codon 413 of the KCNQ4 protein (p.Pro413Leu).

NM_004700.4(KCNQ4):c.1238C>T (p.Pro413Leu)

Gene: KCNQ4 (potassium voltage-gated channel subfamily Q member 4; plus strand). Cytogenetic location: 1p34.2.
Variant type: single nucleotide variant.
Coding change: c.1238C>T on transcript NM_004700.4 (MANE Select); coding-DNA position 1238, C replaced by T.
Protein change: p.Pro413Leu; replaces proline 413 with leucine.
Molecular consequence: missense variant. On other transcripts: intron variant (1).
Genome position (GRCh38, 1-based): chr1:40,824,204, C>T. VCF-style: chr1-40824204-C-T. GRCh37 (hg19) VCF-style: chr1-41289876-C-T.
Other names: c.1130+1802C>T (NM_172163.3); short protein forms P413L.
Identifiers: ClinVar variation 2179985 (VCV002179985.4), dbSNP rs1399019578, ClinGen allele CA339898120.